The following is an entry in ClinVar:

ClinVar aggregate classification (germline): Pathogenic. Review status: criteria provided, multiple submitters, no conflicts (2 of 4 stars). 4 submissions from 4 submitters: Pathogenic (3). 1 of the submissions does not count toward it. Last evaluated 2025-08-29.

Conditions:
Hypophosphatasia. Also called: Phosphoethanol-aminuria. Identifiers: Orphanet 436, MedGen C0020630, MeSH D007014, MONDO:0018570.
Adult hypophosphatasia. Identifiers: Orphanet 247676, Orphanet 436, MedGen C0268413, MONDO:1010154, OMIM 146300, MONDO:0007798.
Infantile hypophosphatasia. Identifiers: Orphanet 247651, Orphanet 436, MedGen C0268412, MONDO:1010169, OMIM 241500, MONDO:0009427.

Submissions (4):

Genomenon, Inc
Classification: Pathogenic for Hypophosphatasia. Last evaluated: 2025-08-29. Review status: criteria provided, single submitter. Criteria: Genomenon Sequence Variant Interpretation Standards. Collection method: curation. Allele origin: germline. Affected: yes.
Comment: ALPL p.Gln347Ter (c.1039C>T) is a nonsense variant that introduces a premature stop codon at amino acid position 347, creating a truncated protein that is predicted to undergo nonsense-mediated mRNA decay. This variant has been observed in at least one proband affected with hypophosphatasia (PMID:27312557). It is absent or not present at a significant frequency in gnomAD. In conclusion, we classify ALPL p.Gln347Ter (c.1039C>T) as a pathogenic variant.

Baylor Genetics
Classification: Pathogenic for Adult hypophosphatasia. Last evaluated: 2024-03-12. Review status: criteria provided, single submitter. Criteria: ACMG Guidelines, 2015. Collection method: clinical testing. Allele origin: unknown.

Labcorp Genetics (formerly Invitae), Labcorp
Classification: Pathogenic. Last evaluated: 2023-06-12. Review status: criteria provided, single submitter. Criteria: Invitae Variant Classification Sherloc (09022015). Collection method: clinical testing. Allele origin: germline.
Comment: This sequence change creates a premature translational stop signal (p.Gln347*) in the ALPL gene. It is expected to result in an absent or disrupted protein product. Loss-of-function variants in ALPL are known to be pathogenic (PMID: 3174660, 10679946, 32973344, 33814268). This variant is not present in population databases (gnomAD no frequency). For these reasons, this variant has been classified as Pathogenic. ClinVar contains an entry for this variant (Variation ID: 550707). This premature translational stop signal has been observed in individual(s) with hypophosphatasia (PMID: 27312557).

Counsyl
Classification: Likely pathogenic for Infantile hypophosphatasia. Last evaluated: 2017-02-16. Review status: no assertion criteria provided. Collection method: clinical testing. Allele origin: unknown. Not counted in ClinVar's aggregate classification.

Literature cited by the submitters: PubMed 27312557 (cited by 3 submitters); PubMed 3174660 (cited by Labcorp Genetics (formerly Invitae), Labcorp); PubMed 10679946 (cited by Labcorp Genetics (formerly Invitae), Labcorp); PubMed 32973344 (cited by Labcorp Genetics (formerly Invitae), Labcorp); PubMed 33814268 (cited by Labcorp Genetics (formerly Invitae), Labcorp).

NM_000478.6(ALPL):c.1039C>T (p.Gln347Ter)

Gene: ALPL (alkaline phosphatase, biomineralization associated; plus strand). Cytogenetic location: 1p36.12.
Variant type: single nucleotide variant.
Coding change: c.1039C>T on transcript NM_000478.6 (MANE Select); coding-DNA position 1039, C replaced by T.
Protein change: p.Gln347Ter; replaces glutamine 347 with a stop codon.
Molecular consequence: nonsense.
Genome position (GRCh38, 1-based): chr1:21,575,774, C>T. VCF-style: chr1-21575774-C-T. GRCh37 (hg19) VCF-style: chr1-21902267-C-T.
Other names: c.874C>T, p.Gln292Ter (NM_001127501.4); c.808C>T, p.Gln270Ter (NM_001177520.3); c.1039C>T, p.Gln347Ter (NM_001369803.2, NM_001369804.2, NM_001369805.2); short protein forms Q347*, Q270*, Q292*.
Identifiers: ClinVar variation 550707 (VCV000550707.7), dbSNP rs1553414560, ClinGen allele CA338881060.
Genomic context (GRCh38, chr1:21,575,774, plus strand): 5'-TTTGCCTTGGTGTCCCAAGGAGGCAGAATTGACCACGGGCACCATGAAGGAAAAGCCAAG[C>T]AGGCCCTGCATGAGGCGGTGGAGATGGACCGGGCCATCGGGCAGGCAGGCAGCTTGACCT-3'